The following is an entry in ClinVar:

NM_022772.4(EPS8L2):c.62C>T (p.Ser21Phe)

Gene: EPS8L2 (EPS8 signaling adaptor L2; plus strand). Cytogenetic location: 11p15.5.
Variant type: single nucleotide variant.
Coding change: c.62C>T on transcript NM_022772.4 (MANE Select); coding-DNA position 62, C replaced by T.
Protein change: p.Ser21Phe; replaces serine 21 with phenylalanine.
Molecular consequence: missense variant.
Genome position (GRCh38, 1-based): chr11:709,570, C>T. VCF-style: chr11-709570-C-T. GRCh37 (hg19) VCF-style: chr11-709570-C-T.
Other names: c.62C>T (NM_022772.3); short protein forms S21F.
Identifiers: ClinVar variation 1934805 (VCV001934805.6), dbSNP rs781565230, ClinGen allele CA5786990.

ClinVar aggregate classification (germline): Uncertain significance. Review status: criteria provided, multiple submitters, no conflicts (2 of 4 stars). 2 submissions from 2 submitters: Uncertain significance (2). Last evaluated 2026-07-02.

Conditions:
EPS8L2-related disorder. Also called: EPS8L2-related condition.

Allele frequency attached by ClinVar (database versions not stated): TOPMed 0.00003; gnomAD 0.00004.
gnomAD v4.1: 68 of 1,611,992 alleles (0.0042%); highest among the groups gnomAD compares: Non-Finnish European, 0.0057%; no homozygotes.

Submissions (2):

PreventionGenetics, part of Exact Sciences
Classification: Uncertain significance for EPS8L2-related condition. Last evaluated: 2026-07-02. Review status: criteria provided, single submitter. Criteria: ACMG Guidelines, 2015. Collection method: clinical testing. Allele origin: germline.
Comment: The EPS8L2 c.62C>T variant is predicted to result in the amino acid substitution p.Ser21Phe. To our knowledge, this variant has not been reported in the literature. This variant is reported in 0.0062% of alleles in individuals of European (Non-Finnish) descent in gnomAD. At this time, the clinical significance of this variant is uncertain due to the absence of conclusive functional and genetic evidence.

Labcorp Genetics (formerly Invitae), Labcorp
Classification: Uncertain significance. Last evaluated: 2021-12-22. Review status: criteria provided, single submitter. Criteria: Invitae Variant Classification Sherloc (09022015). Collection method: clinical testing. Allele origin: germline.
Comment: This sequence change replaces serine, which is neutral and polar, with phenylalanine, which is neutral and non-polar, at codon 21 of the EPS8L2 protein (p.Ser21Phe). This variant is present in population databases (rs781565230, gnomAD 0.006%). This variant has not been reported in the literature in individuals affected with EPS8L2-related conditions. Algorithms developed to predict the effect of missense changes on protein structure and function are either unavailable or do not agree on the potential impact of this missense change (SIFT: "Deleterious"; PolyPhen-2: "Benign"; Align-GVGD: "Class C15"). In summary, the available evidence is currently insufficient to determine the role of this variant in disease. Therefore, it has been classified as a Variant of Uncertain Significance.